The following is an entry in ClinVar:

ClinVar aggregate classification (germline): Likely pathogenic (1 of 4 stars; one submission).

Conditions:
Capillary malformation-arteriovenous malformation 2 (CMAVM2). Identifiers: Orphanet 693912, MedGen C4748670, MONDO:0020785, OMIM 618196.

Submission:

3billion
Classification: Likely pathogenic for Capillary malformation-arteriovenous malformation 2. Last evaluated: 2024-03-07. Review status: criteria provided, single submitter. Criteria: ACMG Guidelines, 2015. Collection method: clinical testing. Allele origin: germline. Affected: yes.
Comment: The variant is not observed in the gnomAD v2.1.1 dataset. Predicted Consequence/Location: Frameshift: predicted to result in a loss or disruption of normal protein function through nonsense-mediated decay (NMD) or protein truncation. Multiple pathogenic variants are reported downstream of the variant. Therefore, this variant is classified as Likely pathogenic according to the recommendation of ACMG/AMP guideline.

NM_004444.5(EPHB4):c.460_462delinsAA (p.Glu154fs)

Gene: EPHB4 (EPH receptor B4; minus strand). Cytogenetic location: 7q22.1.
Variant type: Indel.
Coding change: c.460_462delinsAA on transcript NM_004444.5 (MANE Select); coding-DNA positions 460 to 462, GAG replaced by AA.
Protein change: p.Glu154fs; shifts the reading frame from glutamic acid 154.
Molecular consequence: frameshift variant.
Genome position (GRCh38, 1-based): chr7:100,822,617-100,822,619, CTC replaced by TT on the plus strand (GAG replaced by AA on the coding strand, the reverse complement: EPHB4 is on the minus strand). VCF-style: chr7-100822617-CTC-TT. GRCh37 (hg19) VCF-style: chr7-100420239-CTC-TT.
Other names: short protein forms E154fs.
Identifiers: ClinVar variation 3775561 (VCV003775561.1).